The following is an entry in ClinVar:

NM_002017.5(FLI1):c.1122C>T (p.Thr374=)

Gene: FLI1 (Fli-1 proto-oncogene, ETS transcription factor; plus strand). Cytogenetic location: 11q24.3.
Variant type: single nucleotide variant.
Coding change: c.1122C>T on transcript NM_002017.5 (MANE Select); coding-DNA position 1122, C replaced by T.
Protein change: p.Thr374=; no amino-acid change (threonine 374 retained).
Molecular consequence: synonymous variant.
Genome position (GRCh38, 1-based): chr11:128,810,751, C>T. VCF-style: chr11-128810751-C-T. GRCh37 (hg19) VCF-style: chr11-128680646-C-T.
Other names: p.Thr374=; c.1023C>T, p.Thr341= (NM_001167681.3); c.924C>T, p.Thr308= (NM_001271010.2); c.543C>T, p.Thr181= (NM_001271012.2); c.1122C>T (NM_002017.4).
Identifiers: ClinVar variation 2190278 (VCV002190278.6), dbSNP rs377471737, ClinGen allele CA6357313.
Genomic context (GRCh38, chr11:128,810,751, plus strand): 5'-AAGATATGCTTACAAATTTGACTTCCACGGCATTGCCCAGGCTCTGCAGCCACATCCGAC[C>T]GAGTCGTCCATGTACAAGTACCCTTCTGACATCTCCTACATGCCTTCCTACCATGCCCAC-3'
Protein context (NP_002008.2, residues 364-384): GIAQALQPHP[Thr374=]ESSMYKYPSD

ClinVar aggregate classification (germline): Likely benign. Review status: criteria provided, multiple submitters, no conflicts (2 of 4 stars). 3 submissions from 3 submitters: Likely benign (2). 1 of the submissions does not count toward it. Last evaluated 2025-12-03.

Conditions:
FLI1-related disorder. Also called: FLI1-related condition.

Allele frequency attached by ClinVar (database versions not stated): gnomAD 0.00005; ESP Exome Variant Server 0.00008; TOPMed 0.00008.
gnomAD v4.1: 47 of 1,613,960 alleles (0.0029%); highest among the groups gnomAD compares: African/African-American, 0.02%; no homozygotes.

Submissions (3):

Labcorp Genetics (formerly Invitae), Labcorp
Classification: Likely benign. Last evaluated: 2025-12-03. Review status: criteria provided, single submitter. Criteria: Invitae Variant Classification Sherloc (09022015). Collection method: clinical testing. Allele origin: germline.

Mayo Clinic Laboratories, Mayo Clinic
Classification: Likely benign. Last evaluated: 2025-09-09. Review status: criteria provided, single submitter. Criteria: ACMG Guidelines, 2015. Collection method: clinical testing. Allele origin: germline. Observed: 1 variant allele.
Comment: BP4, BP7

PreventionGenetics, part of Exact Sciences
Classification: Likely benign for FLI1-related condition. Last evaluated: 2024-06-04. Review status: no assertion criteria provided. Collection method: clinical testing. Allele origin: germline. Not counted in ClinVar's aggregate classification.
Comment: This variant is classified as likely benign based on ACMG/AMP sequence variant interpretation guidelines (Richards et al. 2015 PMID: 25741868, with internal and published modifications).